The following is an entry in ClinVar:

ClinVar aggregate classification (germline): Uncertain significance (1 of 4 stars; one submission).

Conditions:
PDE1C-related disorder. Also called: PDE1C-related condition.

gnomAD v4.1: 174 of 1,612,444 alleles (0.011%); highest among the groups gnomAD compares: Non-Finnish European, 0.013%; no homozygotes.

Submission:

PreventionGenetics, part of Exact Sciences
Classification: Uncertain significance for PDE1C-related condition. Last evaluated: 2026-04-24. Review status: criteria provided, single submitter. Criteria: ACMG Guidelines, 2015. Collection method: clinical testing. Allele origin: germline.
Comment: The PDE1C c.2132C>T variant is predicted to result in the amino acid substitution p.Thr711Met. To our knowledge, this variant has not been reported in the literature. This variant is reported in 0.020% of alleles in individuals of European (Non-Finnish) descent in gnomAD. Although we suspect that this variant may be benign, at this time, the clinical significance of this variant is uncertain due to the absence of conclusive functional and genetic evidence.

NM_001191057.4(PDE1C):c.1952C>T (p.Thr651Met)

Gene: PDE1C (phosphodiesterase 1C; minus strand). Cytogenetic location: 7p14.3.
Variant type: single nucleotide variant.
Coding change: c.1952C>T on transcript NM_001191057.4 (MANE Select); coding-DNA position 1952, C replaced by T.
Protein change: p.Thr651Met; replaces threonine 651 with methionine.
Molecular consequence: missense variant.
Genome position (GRCh38, 1-based): chr7:31,775,672, G>A on the plus strand (C>T on the coding strand, the complement: PDE1C is on the minus strand). VCF-style: chr7-31775672-G-A. GRCh37 (hg19) VCF-style: chr7-31815286-G-A.
Other names: c.2132C>T, p.Thr711Met (NM_001191058.4); c.1952C>T, p.Thr651Met (NM_001191059.4, NM_001322055.2); short protein forms T651M, T711M.
Identifiers: ClinVar variation 4981082 (VCV004981082.1).